The following is an entry in ClinVar:

ClinVar aggregate classification (germline): Benign. Review status: criteria provided, multiple submitters, no conflicts (2 of 4 stars). 3 submissions from 3 submitters: Benign (2). 1 of the submissions does not count toward it. Last evaluated 2018-01-13.

Conditions:
3-Oxo-5 alpha-steroid delta 4-dehydrogenase deficiency (PPSH). Also called: 46,XY disorder of sex development due to 5-alpha-reductase 2 deficiency; PSEUDOVAGINAL PERINEOSCROTAL HYPOSPADIAS; FAMILIAL INCOMPLETE MALE PSEUDOHERMAPHRODITISM, TYPE 2; MALE PSEUDOHERMAPHRODITISM DUE TO 5-ALPHA-REDUCTASE DEFICIENCY. Identifiers: Orphanet 753, MedGen C0268297, MONDO:0009923, OMIM 264600. Disease mechanism: loss of function.

Allele frequency attached by ClinVar (database versions not stated): 1000 Genomes Project 0.00339; 1000 Genomes Project 30x 0.00344; TOPMed 0.00708; ExAC 0.00731; gnomAD exomes 0.00751 and 0.01004; ESP Exome Variant Server 0.00833; gnomAD 0.00951.
gnomAD v4.1: 12,546 of 1,282,334 alleles (0.98%); highest among the groups gnomAD compares: Non-Finnish European, 1.1%; 95 homozygotes.

Submissions (3):

Illumina Laboratory Services, Illumina
Classification: Benign for 3-Oxo-5 alpha-steroid delta 4-dehydrogenase deficiency. Last evaluated: 2018-01-13. Review status: criteria provided, single submitter. Criteria: ICSL Variant Classification Criteria 13 December 2019. Collection method: clinical testing. Allele origin: germline.
Comment: This variant was observed in the ICSL laboratory as part of a predisposition screen in an ostensibly healthy population. It had not been previously curated by ICSL or reported in the Human Gene Mutation Database (HGMD: prior to June 1st, 2018), and was therefore a candidate for classification through an automated scoring system. Utilizing variant allele frequency, disease prevalence and penetrance estimates, and inheritance mode, an automated score was calculated to assess if this variant is too frequent to cause the disease. Based on the score and internal cut-off values, a variant classified as benign is not then subjected to further curation. The score for this variant resulted in a classification of benign for this disease.

Breakthrough Genomics
Classification: Benign. Review status: criteria provided, single submitter. Criteria: ACMG Guidelines, 2015. Collection method: not provided. Allele origin: germline. Inheritance: Autosomal recessive inheritance. Affected: yes.

Clinical Molecular Genetics Laboratory, Johns Hopkins All Children's Hospital
Classification: Uncertain significance for 3-Oxo-5 alpha-steroid delta 4-dehydrogenase deficiency. Last evaluated: 2010-07-14. Review status: no assertion criteria provided. Collection method: clinical testing. Allele origin: germline. Affected: yes. Not counted in ClinVar's aggregate classification.

NM_000348.4(SRD5A2):c.*43G>A

Gene: SRD5A2 (steroid 5 alpha-reductase 2; minus strand). Cytogenetic location: 2p23.1.
Variant type: single nucleotide variant.
Coding change: c.*43G>A on transcript NM_000348.4 (MANE Select); 43 bases downstream of the stop codon, G replaced by A.
Molecular consequence: 3 prime UTR variant.
Genome position (GRCh38, 1-based): chr2:31,526,153, C>T on the plus strand (G>A on the coding strand, the complement: SRD5A2 is on the minus strand). VCF-style: chr2-31526153-C-T. GRCh37 (hg19) VCF-style: chr2-31751223-C-T.
Identifiers: ClinVar variation 492906 (VCV000492906.6), dbSNP rs28383082, ClinGen allele CA1599843.